The following is an entry in ClinVar:

ClinVar aggregate classification (germline): Pathogenic (1 of 4 stars; one submission).

Conditions:
Familial cylindromatosis. Also called: ANCELL-SPIEGLER CYLINDROMAS; Turban tumor syndrome. Identifiers: Orphanet 211, Orphanet 79493, MedGen C1851526, MONDO:0007565, OMIM 132700.

Submission:

Genomic Diagnostic Laboratory, Division of Genomic Diagnostics, Children's Hospital of Philadelphia
Classification: Pathogenic for Cylindromatosis, familial. Last evaluated: 2016-09-23. Review status: criteria provided, single submitter. Criteria: DGD Variant Analysis Guidelines. Collection method: clinical testing. Allele origin: germline. Affected: yes. Observed: 1 variant allele.
Comment: Clinical Testing

NM_001378743.1(CYLD):c.1950-2_1953del

Genes: CYLD (CYLD lysine 63 deubiquitinase; plus strand), CYLD-AS2 (CYLD antisense RNA 2; minus strand). Cytogenetic location: 16q12.1.
Variant type: Deletion.
Coding change: c.1950-2_1953del on transcript NM_001378743.1 (MANE Select); the canonical splice acceptor site of the intron before coding-DNA position 1950 through coding-DNA position 1953, 6 bases deleted (AGATAT; older notation c.1950-2_1953delAGATAT).
Molecular consequence: splice acceptor variant.
Genome position (GRCh38, 1-based): chr16:50,786,853-50,786,858, AGATAT deleted; deleting any 6 consecutive bases within chr16:50,786,852-50,786,858 gives the same sequence; the c. name uses the placement nearest the transcript's 3' end. VCF-style (leftmost placement, unchanged base first): chr16-50786851-TTAGATA-T. GRCh37 (hg19) VCF-style: chr16-50820762-TTAGATA-T.
Other names: c.1950-2_1953del (NM_015247.3); c.1941-2_1944del (NM_001378745.1, NM_001378744.1, NM_001042355.2 and 6 more transcripts); c.1911-2_1914del (NM_001378753.1, NM_001378751.1, NM_001378752.1); c.1275-2_1278del (NM_001378754.1, NM_001378755.1); c.1950-2_1953delAGATAT (NM_015247.2).
Identifiers: ClinVar variation 267243 (VCV000267243.1), dbSNP rs886040882, ClinGen allele CA10590080.